The following is an entry in ClinVar:

ClinVar aggregate classification (germline): Uncertain significance (1 of 4 stars; one submission).

Submission:

Labcorp Genetics (formerly Invitae), Labcorp
Classification: Uncertain significance. Last evaluated: 2025-10-09. Review status: criteria provided, single submitter. Criteria: Invitae Variant Classification Sherloc (09022015). Collection method: clinical testing. Allele origin: germline.
Comment: This sequence change replaces lysine, which is basic and polar, with arginine, which is basic and polar, at codon 747 of the SETBP1 protein (p.Lys747Arg). This variant is not present in population databases (gnomAD no frequency). This variant has not been reported in the literature in individuals affected with SETBP1-related conditions. Invitae Evidence Modeling of protein sequence and biophysical properties (such as structural, functional, and spatial information, amino acid conservation, physicochemical variation, residue mobility, and thermodynamic stability) indicates that this missense variant is expected to disrupt SETBP1 protein function with a positive predictive value of 80%. In summary, the available evidence is currently insufficient to determine the role of this variant in disease. Therefore, it has been classified as a Variant of Uncertain Significance.

NM_015559.3(SETBP1):c.2240A>G (p.Lys747Arg)

Gene: SETBP1 (SET binding protein 1; plus strand). Cytogenetic location: 18q12.3.
Variant type: single nucleotide variant.
Coding change: c.2240A>G on transcript NM_015559.3 (MANE Select); coding-DNA position 2240, A replaced by G.
Protein change: p.Lys747Arg; replaces lysine 747 with arginine.
Molecular consequence: missense variant.
Genome position (GRCh38, 1-based): chr18:44,951,580, A>G. VCF-style: chr18-44951580-A-G. GRCh37 (hg19) VCF-style: chr18-42531545-A-G.
Other names: c.2240A>G, p.Lys747Arg (NM_001379141.1, NM_001379142.1, NM_001410862.1); short protein forms K747R.
Identifiers: ClinVar variation 4809605 (VCV004809605.1).
Genomic context (GRCh38, chr18:44,951,580, plus strand): 5'-GGGGCAGGAAGCCAAGAGCAGAGCTGCCACCCCCATCCGAAGAACCCAAAACAGCCATCA[A>G]GCACCCCAGGCCTGTTTCTAGCCAGCCGGATGTTCCAGCCGTGCCTTCCAACTTTCAGTC-3'
Protein context (NP_056374.2, residues 737-757): PPSEEPKTAI[Lys747Arg]HPRPVSSQPD